The following is an entry in ClinVar:

NM_000051.4(ATM):c.8623A>G (p.Asn2875Asp)

Genes: ATM (ATM serine/threonine kinase; plus strand), C11orf65 (chromosome 11 open reading frame 65; minus strand). Cytogenetic location: 11q22.3.
Variant type: single nucleotide variant.
Coding change: c.8623A>G on transcript NM_000051.4 (MANE Select); coding-DNA position 8623, A replaced by G.
Protein change: p.Asn2875Asp; replaces asparagine 2875 with aspartic acid.
Molecular consequence: missense variant. On other transcripts: intron variant (2).
Genome position (GRCh38, 1-based): chr11:108,347,317, A>G. VCF-style: chr11-108347317-A-G. GRCh37 (hg19) VCF-style: chr11-108218044-A-G.
Other names: c.8623A>G, p.Asn2875Asp (NM_001351834.2); c.641-38246T>C (NM_001330368.2); c.695-12025T>C (NM_001351110.2); short protein forms N2875D.
Identifiers: ClinVar variation 2693372 (VCV002693372.4), dbSNP rs1057519869, ClinGen allele CA382520756.

ClinVar aggregate classification (germline): Uncertain significance. Review status: criteria provided, multiple submitters, no conflicts (2 of 4 stars). 2 submissions from 2 submitters: Uncertain significance (2). Last evaluated 2026-07-30.

Conditions:
Hereditary cancer-predisposing syndrome. Also called: Tumor predisposition; Neoplastic Syndromes, Hereditary; Hereditary Cancer Syndrome; Hereditary neoplastic syndrome. Identifiers: Orphanet 140162, MedGen C0027672, MeSH D009386, MONDO:0015356.
Ataxia-telangiectasia syndrome (AT). Also called: LOUIS-BAR SYNDROME; Cerebello-oculocutaneous telangiectasia; Immunodeficiency with ataxia telangiectasia; Ataxia telangiectasia (A-T); Ataxia-telangiectasia, complementation group D; AT, COMPLEMENTATION GROUP C. Identifiers: Orphanet 100, MedGen C0004135, MONDO:0008840, OMIM 208900.

Submissions (2):

Ambry Genetics
Classification: Uncertain significance for Hereditary cancer-predisposing syndrome. Last evaluated: 2026-07-30. Review status: criteria provided, single submitter. Criteria: Ambry Variant Classification Scheme 2023. Collection method: clinical testing. Allele origin: germline.
Comment: The p.N2875D variant (also known as c.8623A>G), located in coding exon 58 of the ATM gene, results from an A to G substitution at nucleotide position 8623. The asparagine at codon 2875 is replaced by aspartic acid, an amino acid with highly similar properties. In an assay testing ATM function, this variant showed a functionally abnormal result (Lee KS et al. Cell, 2025 Sep;188:5081-5099.e27). This amino acid position is highly conserved in available vertebrate species. In addition, the in silico prediction for this alteration is inconclusive. Based on the available evidence, the clinical significance of this variant remains unclear.

Labcorp Genetics (formerly Invitae), Labcorp
Classification: Uncertain significance for Ataxia-telangiectasia syndrome. Last evaluated: 2023-11-05. Review status: criteria provided, single submitter. Criteria: Invitae Variant Classification Sherloc (09022015). Collection method: clinical testing. Allele origin: germline.
Comment: This sequence change replaces asparagine, which is neutral and polar, with aspartic acid, which is acidic and polar, at codon 2875 of the ATM protein (p.Asn2875Asp). This variant is not present in population databases (gnomAD no frequency). This missense change has been observed in individual(s) with pancreatic cancer (PMID: 35171259). An algorithm developed to predict the effect of missense changes on protein structure and function (PolyPhen-2) suggests that this variant is likely to be disruptive. In summary, the available evidence is currently insufficient to determine the role of this variant in disease. Therefore, it has been classified as a Variant of Uncertain Significance.

Literature cited by the submitters: PubMed 40580951 (cited by Ambry Genetics); PubMed 35171259 (cited by Labcorp Genetics (formerly Invitae), Labcorp).